The following is an entry in ClinVar:

NM_000179.3(MSH6):c.1022C>G (p.Ser341Cys)

Gene: MSH6 (mutS homolog 6; plus strand). Cytogenetic location: 2p16.3.
Variant type: single nucleotide variant.
Coding change: c.1022C>G on transcript NM_000179.3 (MANE Select); coding-DNA position 1022, C replaced by G.
Protein change: p.Ser341Cys; replaces serine 341 with cysteine.
Molecular consequence: missense variant.
Genome position (GRCh38, 1-based): chr2:47,799,005, C>G. VCF-style: chr2-47799005-C-G. GRCh37 (hg19) VCF-style: chr2-48026144-C-G.
Other names: c.632C>G, p.Ser211Cys (NM_001281492.2); c.116C>G, p.Ser39Cys (NM_001281493.2, NM_001281494.2); short protein forms S341C, S211C, S39C.
Identifiers: ClinVar variation 483888 (VCV000483888.14), dbSNP rs766202031, ClinGen allele CA067038.

ClinVar aggregate classification (germline): Conflicting classifications of pathogenicity. Review status: criteria provided, conflicting classifications (1 of 4 stars). 4 submissions from 4 submitters: Uncertain significance (3); Likely benign (1). Last evaluated 2025-11-17.

Conditions:
Lynch syndrome. Identifiers: Orphanet 144, MedGen C4552100, MONDO:0005835. Disease mechanism: loss of function.
Hereditary nonpolyposis colorectal neoplasms. Identifiers: MedGen C0009405, MeSH D003123.
Hereditary cancer-predisposing syndrome. Also called: Neoplastic Syndromes, Hereditary; Tumor predisposition; Hereditary Cancer Syndrome; Hereditary neoplastic syndrome. Identifiers: Orphanet 140162, MedGen C0027672, MeSH D009386, MONDO:0015356.

Allele frequency attached by ClinVar (database versions not stated): gnomAD exomes below 0.00001; ExAC 0.00001.
gnomAD v4.1: 1 of 1,614,234 alleles (0.000062%); highest among the groups gnomAD compares: Non-Finnish European, 0.000085%; no homozygotes.

Submissions (4):

Ambry Genetics
Classification: Uncertain significance for Hereditary cancer-predisposing syndrome. Last evaluated: 2025-11-17. Review status: criteria provided, single submitter. Criteria: Ambry Variant Classification Scheme 2023. Collection method: clinical testing. Allele origin: germline.
Comment: The p.S341C variant (also known as c.1022C>G), located in coding exon 4 of the MSH6 gene, results from a C to G substitution at nucleotide position 1022. The serine at codon 341 is replaced by cysteine, an amino acid with dissimilar properties. This amino acid position is not well conserved in available vertebrate species. In addition, the in silico prediction for this alteration is inconclusive. Based on the available evidence, the clinical significance of this variant remains unclear.

Labcorp Genetics (formerly Invitae), Labcorp
Classification: Likely benign for Hereditary nonpolyposis colorectal neoplasms. Last evaluated: 2024-11-18. Review status: criteria provided, single submitter. Criteria: Invitae Variant Classification Sherloc (09022015). Collection method: clinical testing. Allele origin: germline.

All of Us Research Program, National Institutes of Health
Classification: Uncertain significance for Lynch syndrome. Last evaluated: 2023-12-01. Review status: criteria provided, single submitter. Criteria: ACMG Guidelines, 2015. Collection method: clinical testing. Allele origin: germline. Inheritance: Autosomal dominant inheritance. Observed: 1 variant allele, 1 heterozygote.
Comment: This study involves interpretation of variants in research participants for the purpose of population health screening. Participant phenotype was not available at the time of variant classification. Additional details can be found in publication PMID: 35346344, PMCID: PMC8962531

Color Diagnostics, LLC DBA Color Health
Classification: Uncertain significance for Hereditary cancer-predisposing syndrome. Last evaluated: 2018-12-11. Review status: criteria provided, single submitter. Criteria: ACMG Guidelines, 2015. Collection method: clinical testing. Allele origin: germline.